The following is an entry in ClinVar:

NM_172245.4(CSF2RA):c.428C>T (p.Thr143Met)

Gene: CSF2RA (colony stimulating factor 2 receptor subunit alpha; plus strand). Cytogenetic location: Xp22.33.
Variant type: single nucleotide variant.
Coding change: c.428C>T on transcript NM_172245.4 (MANE Select); coding-DNA position 428, C replaced by T.
Protein change: p.Thr143Met; replaces threonine 143 with methionine.
Molecular consequence: missense variant. On other transcripts: non-coding transcript variant (1).
Genome position (GRCh38, 1-based): chrX:1,288,843, C>T. VCF-style: chrX-1288843-C-T. GRCh37 (hg19) VCF-style: chrX-1407736-C-T.
Other names: c.428C>T, p.Thr143Met (NM_001161529.2, NM_001161530.2, NM_001161531.2 and 20 more transcripts); c.29C>T, p.Thr10Met (NM_001161532.2); short protein forms T10M, T143M.
Identifiers: ClinVar variation 951233 (VCV000951233.6), dbSNP rs190144821, ClinGen allele CA10330806.
Genomic context (GRCh38, chrX:1,288,843, plus strand): 5'-ATTTCTCCTGTTTCATCTACAATGCGGATTTAATGAACTGTACCTGGGCGAGGGGTCCGA[C>T]GGCCCCCCGTGACGTCCAGTATTTTTTGTACATACGAAACTCAAAGTAAGTGTTCACCTC-3'
Protein context (NP_758448.1, residues 133-153): LMNCTWARGP[Thr143Met]APRDVQYFLY

ClinVar aggregate classification (germline): Uncertain significance (1 of 4 stars; one submission).

Conditions:
Surfactant metabolism dysfunction, pulmonary, 4 (SMDP4). Also called: PAP DUE TO CSF2RA DEFICIENCY; PULMONARY ALVEOLAR PROTEINOSIS, CONGENITAL, 4; CSF2RA DEFICIENCY. Identifiers: Orphanet 264675, MedGen C2677877, MONDO:0010424, OMIM 300770.

Allele frequency attached by ClinVar (database versions not stated): gnomAD 0.00007 and 0.00009; gnomAD exomes 0.00010 and 0.00017; TOPMed 0.00010; ESP Exome Variant Server 0.00015; ExAC 0.00019; 1000 Genomes Project 30x 0.00062; 1000 Genomes Project 0.00079.
gnomAD v4.1: 153 of 1,613,990 alleles (0.0095%); highest among the groups gnomAD compares: South Asian, 0.11%; 1 homozygote.

Submission:

Labcorp Genetics (formerly Invitae), Labcorp
Classification: Uncertain significance for Surfactant metabolism dysfunction, pulmonary, 4. Last evaluated: 2023-04-05. Review status: criteria provided, single submitter. Criteria: Invitae Variant Classification Sherloc (09022015). Collection method: clinical testing. Allele origin: germline.
Comment: This variant is present in population databases (no rsID available, gnomAD 0.09%). In summary, the available evidence is currently insufficient to determine the role of this variant in disease. Therefore, it has been classified as a Variant of Uncertain Significance. Advanced modeling of protein sequence and biophysical properties (such as structural, functional, and spatial information, amino acid conservation, physicochemical variation, residue mobility, and thermodynamic stability) performed at Invitae indicates that this missense variant is not expected to disrupt CSF2RA protein function. ClinVar contains an entry for this variant (Variation ID: 951233). This missense change has been observed in individual(s) with pediatric inflammatory bowel disease (PMID: 30124884). This sequence change replaces threonine, which is neutral and polar, with methionine, which is neutral and non-polar, at codon 143 of the CSF2RA protein (p.Thr143Met).

Literature cited by the submitters: PubMed 30124884.